The following is an entry in ClinVar:

ClinVar aggregate classification (germline): Uncertain significance. Review status: criteria provided, multiple submitters, no conflicts (2 of 4 stars). 2 submissions from 2 submitters: Uncertain significance (2). Last evaluated 2022-08-31.

Conditions:
Inborn genetic diseases. Identifiers: MedGen C0950123, MeSH D030342.

Allele frequency attached by ClinVar (database versions not stated): gnomAD 0.00012 and 0.00011; TOPMed 0.00012; ExAC 0.00001; gnomAD exomes 0.00001; ESP Exome Variant Server 0.00008.
gnomAD v4.1: 27 of 1,612,374 alleles (0.0017%); highest among the groups gnomAD compares: African/African-American, 0.028%; no homozygotes.

Submissions (2):

GeneDx
Classification: Uncertain significance. Last evaluated: 2022-08-31. Review status: criteria provided, single submitter. Criteria: GeneDx Variant Classification Process June 2021. Collection method: clinical testing. Allele origin: germline. Affected: yes.
Comment: In silico analysis supports that this missense variant has a deleterious effect on protein structure/function; Has not been previously published as pathogenic or benign to our knowledge

Ambry Genetics
Classification: Uncertain significance for Inborn genetic diseases. Last evaluated: 2021-01-28. Review status: criteria provided, single submitter. Criteria: Ambry Variant Classification Scheme 2023. Collection method: clinical testing. Allele origin: germline.
Comment: The c.835G>C (p.A279P) alteration is located in exon 8 (coding exon 7) of the GPSM2 gene. This alteration results from a G to C substitution at nucleotide position 835, causing the alanine (A) at amino acid position 279 to be replaced by a proline (P). The p.A279P alteration is predicted to be deleterious by in silico analysis. Based on insufficient or conflicting evidence, the clinical significance of this alteration remains unclear.

NM_013296.5(GPSM2):c.835G>C (p.Ala279Pro)

Gene: GPSM2 (G protein signaling modulator 2; plus strand). Cytogenetic location: 1p13.3.
Variant type: single nucleotide variant.
Coding change: c.835G>C on transcript NM_013296.5 (MANE Select); coding-DNA position 835, G replaced by C.
Protein change: p.Ala279Pro; replaces alanine 279 with proline.
Molecular consequence: missense variant.
Genome position (GRCh38, 1-based): chr1:108,901,827, G>C. VCF-style: chr1-108901827-G-C. GRCh37 (hg19) VCF-style: chr1-109444449-G-C.
Other names: c.835G>C, p.Ala279Pro (NM_001321038.2, NM_001321039.3); short protein forms A279P.
Identifiers: ClinVar variation 450517 (VCV000450517.6), dbSNP rs370245661, ClinGen allele CA982900.